The following is an entry in ClinVar:

ClinVar aggregate classification (germline): Uncertain significance (1 of 4 stars; one submission).

Submission:

Labcorp Genetics (formerly Invitae), Labcorp
Classification: Uncertain significance. Last evaluated: 2025-02-03. Review status: criteria provided, single submitter. Criteria: Invitae Variant Classification Sherloc (09022015). Collection method: clinical testing. Allele origin: germline.
Comment: This sequence change replaces leucine, which is neutral and non-polar, with phenylalanine, which is neutral and non-polar, at codon 22 of the ARNT2 protein (p.Leu22Phe). This variant is not present in population databases (gnomAD no frequency). This variant has not been reported in the literature in individuals affected with ARNT2-related conditions. ClinVar contains an entry for this variant (Variation ID: 2007346). An algorithm developed to predict the effect of missense changes on protein structure and function (PolyPhen-2) suggests that this variant is likely to be disruptive. In summary, the available evidence is currently insufficient to determine the role of this variant in disease. Therefore, it has been classified as a Variant of Uncertain Significance.

NM_014862.4(ARNT2):c.66G>T (p.Leu22Phe)

Gene: ARNT2 (aryl hydrocarbon receptor nuclear translocator 2; plus strand). Cytogenetic location: 15q25.1.
Variant type: single nucleotide variant.
Coding change: c.66G>T on transcript NM_014862.4 (MANE Select); coding-DNA position 66, G replaced by T.
Protein change: p.Leu22Phe; replaces leucine 22 with phenylalanine.
Molecular consequence: missense variant.
Genome position (GRCh38, 1-based): chr15:80,450,914, G>T. VCF-style: chr15-80450914-G-T. GRCh37 (hg19) VCF-style: chr15-80743255-G-T.
Other names: short protein forms L22F.
Identifiers: ClinVar variation 2007346 (VCV002007346.4), dbSNP rs1896378251, ClinGen allele CA393653338.
Genomic context (GRCh38, chr15:80,450,914, plus strand): 5'-AACCTCTTGTCTTTGCTGAATTCCAGAAATGGCTTCAGACATACCTGGATCTGTGACGTT[G>T]CCCGTTGCCCCCATGGCGGCCACCGGACAGGTGAGGATGGCGGGGGCCATGCCTGCCCGT-3'
Protein context (NP_055677.3, residues 12-32): MASDIPGSVT[Leu22Phe]PVAPMAATGQ